The following is an entry in ClinVar:

NM_198525.3(KIF7):c.194C>G (p.Ala65Gly)

Gene: KIF7 (kinesin family member 7; minus strand). Cytogenetic location: 15q26.1.
Variant type: single nucleotide variant.
Coding change: c.194C>G on transcript NM_198525.3 (MANE Select); coding-DNA position 194, C replaced by G.
Protein change: p.Ala65Gly; replaces alanine 65 with glycine.
Molecular consequence: missense variant.
Genome position (GRCh38, 1-based): chr15:89,652,737, G>C on the plus strand (C>G on the coding strand, the complement: KIF7 is on the minus strand). VCF-style: chr15-89652737-G-C. GRCh37 (hg19) VCF-style: chr15-90195968-G-C.
Other names: short protein forms A65G.
Identifiers: ClinVar variation 1485184 (VCV001485184.7), dbSNP rs775159552, ClinGen allele CA274584428.

ClinVar aggregate classification (germline): Uncertain significance (1 of 4 stars; one submission).

Conditions:
Acrocallosal syndrome (ACLS). Also called: HALLUX DUPLICATION, POSTAXIAL POLYDACTYLY, AND ABSENCE OF CORPUS CALLOSUM; Schinzel syndrome 1; Absence of corpus callosum with unusual facial appearance, mental deficiency, duplication of the halluces and polydactyly. Identifiers: Orphanet 36, MedGen C0796147, MONDO:0008708, OMIM 200990.

Allele frequency attached by ClinVar (database versions not stated): gnomAD 0.00001.

Submission:

Labcorp Genetics (formerly Invitae), Labcorp
Classification: Uncertain significance for Acrocallosal syndrome. Last evaluated: 2021-04-04. Review status: criteria provided, single submitter. Criteria: Invitae Variant Classification Sherloc (09022015). Collection method: clinical testing. Allele origin: germline.
Comment: This sequence change replaces alanine with glycine at codon 65 of the KIF7 protein (p.Ala65Gly). The alanine residue is weakly conserved and there is a small physicochemical difference between alanine and glycine. This variant is not present in population databases (ExAC no frequency). This variant has not been reported in the literature in individuals with KIF7-related conditions. Algorithms developed to predict the effect of missense changes on protein structure and function (SIFT, PolyPhen-2, Align-GVGD) all suggest that this variant is likely to be tolerated, but these predictions have not been confirmed by published functional studies and their clinical significance is uncertain. In summary, the available evidence is currently insufficient to determine the role of this variant in disease. Therefore, it has been classified as a Variant of Uncertain Significance.